The following is an entry in ClinVar:

NM_173602.3(DIP2B):c.1277A>G (p.Glu426Gly)

Gene: DIP2B (DIP2 acetate--CoA ligase B (putative); plus strand). Cytogenetic location: 12q13.12.
Variant type: single nucleotide variant.
Coding change: c.1277A>G on transcript NM_173602.3 (MANE Select); coding-DNA position 1277, A replaced by G.
Protein change: p.Glu426Gly; replaces glutamic acid 426 with glycine.
Molecular consequence: missense variant.
Genome position (GRCh38, 1-based): chr12:50,683,208, A>G. VCF-style: chr12-50683208-A-G. GRCh37 (hg19) VCF-style: chr12-51076991-A-G.
Other names: short protein forms E426G.
Identifiers: ClinVar variation 3901951 (VCV003901951.1).

ClinVar aggregate classification (germline): Uncertain significance (1 of 4 stars; one submission).

Conditions:
Intellectual developmental disorder, FRA12A type. Also called: Intellectual disability, FRA12A type. Identifiers: MedGen C1969893, MONDO:0007634, OMIM 136630.

Submission:

Laboratorio de Genetica e Diagnostico Molecular, Hospital Israelita Albert Einstein
Classification: Uncertain significance for Intellectual developmental disorder, FRA12A type. Last evaluated: 2024-04-26. Review status: criteria provided, single submitter. Criteria: ACMG Guidelines, 2015. Collection method: clinical testing. Allele origin: germline. Affected: yes.
Comment: ACMG classification criteria: PM2 supporting, BP4 supporting